The following is an entry in ClinVar:

ClinVar aggregate classification (germline): Benign. Review status: criteria provided, multiple submitters, no conflicts (2 of 4 stars). 4 submissions from 4 submitters: Benign (3). 1 of the submissions does not count toward it. Last evaluated 2026-02-02.

Conditions:
DSG1-related disorder. Also called: DSG1-related condition.

Allele frequency attached by ClinVar (database versions not stated): gnomAD 0.01367 and 0.01468; TOPMed 0.01536; 1000 Genomes Project 0.01558; ESP Exome Variant Server 0.01715; 1000 Genomes Project 30x 0.01718.
gnomAD v4.1: 4,045 of 1,613,380 alleles (0.25%); highest among the groups gnomAD compares: African/African-American, 5%; 98 homozygotes.

Submissions (4):

Labcorp Genetics (formerly Invitae), Labcorp
Classification: Benign. Last evaluated: 2026-02-02. Review status: criteria provided, single submitter. Criteria: Invitae Variant Classification Sherloc (09022015). Collection method: clinical testing. Allele origin: germline.

GeneDx
Classification: Benign. Last evaluated: 2021-05-04. Review status: criteria provided, single submitter. Criteria: GeneDx Variant Classification Process June 2021. Collection method: clinical testing. Allele origin: germline. Affected: yes.

Breakthrough Genomics
Classification: Benign. Review status: criteria provided, single submitter. Criteria: ACMG Guidelines, 2015. Collection method: not provided. Allele origin: germline. Inheritance: Autosomal recessive inheritance. Affected: yes.

PreventionGenetics, part of Exact Sciences
Classification: Benign for DSG1-related condition. Last evaluated: 2019-02-21. Review status: no assertion criteria provided. Collection method: clinical testing. Allele origin: germline. Not counted in ClinVar's aggregate classification.
Comment: This variant is classified as benign based on ACMG/AMP sequence variant interpretation guidelines (Richards et al. 2015 PMID: 25741868, with internal and published modifications).

NM_001942.4(DSG1):c.1995G>T (p.Met665Ile)

Genes: DSG1 (desmoglein 1; plus strand), DSG1-AS1 (DSG1 antisense RNA 1; minus strand). Cytogenetic location: 18q12.1.
Variant type: single nucleotide variant.
Coding change: c.1995G>T on transcript NM_001942.4 (MANE Select); coding-DNA position 1995, G replaced by T.
Protein change: p.Met665Ile; replaces methionine 665 with isoleucine.
Molecular consequence: missense variant.
Genome position (GRCh38, 1-based): chr18:31,346,093, G>T. VCF-style: chr18-31346093-G-T. GRCh37 (hg19) VCF-style: chr18-28926056-G-T.
Other names: short protein forms M665I.
Identifiers: ClinVar variation 778771 (VCV000778771.16), dbSNP rs35360042, ClinGen allele CA8926245.
Genomic context (GRCh38, chr18:31,346,093, plus strand): 5'-GGGAGGAGGAGAGAGAATGACAGGATTTGAACTAACAGAGGGAGTTAAAACTTCAGGAAT[G>T]CCTGAGATATGTCAAGAATACTCTGGAACATTAAGAAGAAATTCTATGAGGGAATGTAGA-3'
Protein context (NP_001933.2, residues 655-675): ELTEGVKTSG[Met665Ile]PEICQEYSGT